The following is an entry in ClinVar:

ClinVar aggregate classification (germline): Uncertain significance (1 of 4 stars; one submission).

Conditions:
Mitochondrial trifunctional protein deficiency. Identifiers: Orphanet 746, MedGen C1969443, MONDO:0012172.
Long chain 3-hydroxyacyl-CoA dehydrogenase deficiency. Also called: Deficiency of long-chain 3-hydroxyacyl-coenzyme A dehydrogenase; LCHAD Deficiency. Identifiers: Orphanet 5, MedGen C3711645, MONDO:0012173, OMIM 609016.

Allele frequency attached by ClinVar (database versions not stated): gnomAD 0.00009; TOPMed 0.00015; gnomAD exomes 0.00021; ESP Exome Variant Server 0.00023.
gnomAD v4.1: 316 of 1,612,008 alleles (0.02%); highest among the groups gnomAD compares: Non-Finnish European, 0.026%; no homozygotes.

Submission:

Labcorp Genetics (formerly Invitae), Labcorp
Classification: Uncertain significance for Mitochondrial trifunctional protein deficiency; Long chain 3-hydroxyacyl-CoA dehydrogenase deficiency. Last evaluated: 2022-02-28. Review status: criteria provided, single submitter. Criteria: Invitae Variant Classification Sherloc (09022015). Collection method: clinical testing. Allele origin: germline.
Comment: This sequence change replaces alanine, which is neutral and non-polar, with valine, which is neutral and non-polar, at codon 552 of the HADHA protein (p.Ala552Val). This variant is present in population databases (rs369588406, gnomAD 0.01%). This variant has not been reported in the literature in individuals affected with HADHA-related conditions. ClinVar contains an entry for this variant (Variation ID: 335380). Algorithms developed to predict the effect of missense changes on protein structure and function output the following: SIFT: "Tolerated"; PolyPhen-2: "Possibly Damaging"; Align-GVGD: "Class C0". The valine amino acid residue is found in multiple mammalian species, which suggests that this missense change does not adversely affect protein function. In summary, the available evidence is currently insufficient to determine the role of this variant in disease. Therefore, it has been classified as a Variant of Uncertain Significance.

NM_000182.5(HADHA):c.1655C>T (p.Ala552Val)

Genes: HADHA (hydroxyacyl-CoA dehydrogenase trifunctional multienzyme complex subunit alpha; minus strand), GAREM2 (GRB2 associated regulator of MAPK1 subtype 2; plus strand). Cytogenetic location: 2p23.3.
Variant type: single nucleotide variant.
Coding change: c.1655C>T on transcript NM_000182.5 (MANE Select); coding-DNA position 1655, C replaced by T.
Protein change: p.Ala552Val; replaces alanine 552 with valine.
Molecular consequence: missense variant.
Genome position (GRCh38, 1-based): chr2:26,194,604, G>A on the plus strand (C>T on the coding strand, the complement: HADHA is on the minus strand). VCF-style: chr2-26194604-G-A. GRCh37 (hg19) VCF-style: chr2-26417473-G-A.
Other names: short protein forms A552V.
Identifiers: ClinVar variation 335380 (VCV000335380.10), dbSNP rs369588406, ClinGen allele CA1559501.